The following is an entry in ClinVar:

NM_000159.4(GCDH):c.356C>T (p.Ser119Leu)

Gene: GCDH (glutaryl-CoA dehydrogenase; plus strand). Cytogenetic location: 19p13.13.
Variant type: single nucleotide variant.
Coding change: c.356C>T on transcript NM_000159.4 (MANE Select); coding-DNA position 356, C replaced by T.
Protein change: p.Ser119Leu; replaces serine 119 with leucine.
Molecular consequence: missense variant. On other transcripts: non-coding transcript variant (2).
Genome position (GRCh38, 1-based): chr19:12,893,504, C>T. VCF-style: chr19-12893504-C-T. GRCh37 (hg19) VCF-style: chr19-13004318-C-T.
Other names: c.356C>T, p.Ser119Leu (NM_013976.5); short protein forms S119L.
Identifiers: ClinVar variation 288248 (VCV000288248.31), dbSNP rs886043840, ClinGen allele CA10606016.

ClinVar aggregate classification (germline): Conflicting classifications of pathogenicity. Review status: criteria provided, conflicting classifications (1 of 4 stars). 8 submissions from 8 submitters: Pathogenic (5); Likely pathogenic (1); Uncertain significance (1). 1 of the submissions does not count toward it. Last evaluated 2026-01-16.

Conditions:
Glutaric aciduria, type 1. Also called: GA I; Glutaricacidemia Type 1; Glutaryl-CoA dehydrogenase deficiency; Glutaric acidemia type I; Glutaricaciduria, type I; Glutaric Acidemia Type 1. Identifiers: Orphanet 25, MedGen C0268595, MONDO:0009281, OMIM 231670.

Allele frequency attached by ClinVar (database versions not stated): TOPMed below 0.00001; gnomAD 0.00001; gnomAD exomes 0.00001.
gnomAD v4.1: 15 of 1,613,948 alleles (0.00093%); highest among the groups gnomAD compares: Middle Eastern, 0.016%; no homozygotes.

Submissions (8):

Natera, Inc.
Classification: Pathogenic for Glutaric acidemia type 1. Last evaluated: 2026-01-16. Review status: criteria provided, single submitter. Criteria: Natera Variant Classification Schema (03/2026). Collection method: clinical testing. Allele origin: germline.
Comment: The c.356C>T variant in GCDH is a missense variant predicted to cause substitution of serine to leucine at amino acid 119. This variant is rare in the general population with a frequency below the threshold expected for the associated phenotype(s). This variant has been observed in one or more individuals affected with the associated recessive disease, as either homozygous or compound heterozygous with a second variant (PMID: 26071121, 15505393, 17188916, 28389991, 32508882). Computational prediction algorithms indicate this variant is likely to affect gene or protein function. Given the available evidence, this variant is classified as Pathogenic.

3billion
Classification: Likely pathogenic for Glutaric aciduria, type 1. Last evaluated: 2024-06-20. Review status: criteria provided, single submitter. Criteria: ACMG Guidelines, 2015. Collection method: clinical testing. Allele origin: germline. Affected: yes.
Comment: The variant is observed at an extremely low frequency in the gnomAD v4.0.0 dataset (total allele frequency: <0.001%). Predicted Consequence/Location: Missense variant In silico tool predictions suggest damaging effect of the variant on gene or gene product [REVEL: 0.96 (>=0.6, sensitivity 0.68 and specificity 0.92); 3Cnet: 0.98 (>=0.6, sensitivity 0.72 and precision 0.9)]. The same nucleotide change resulting in the same amino acid change has been previously reported as pathogenic/likely pathogenic with strong evidence (ClinVar ID: VCV000288248 /PMID: 10960496). Therefore, this variant is classified as Likely pathogenic according to the recommendation of ACMG/AMP guideline.

Women's Health and Genetics/Laboratory Corporation of America, LabCorp
Classification: Pathogenic for Glutaric aciduria, type 1. Last evaluated: 2024-02-23. Review status: criteria provided, single submitter. Criteria: LabCorp Variant Classification Summary - May 2015. Collection method: clinical testing. Allele origin: germline.
Comment: Variant summary: GCDH c.356C>T (p.Ser119Leu) results in a non-conservative amino acid change located in the Acyl-CoA dehydrogenase/oxidase, N-terminal domain (IPR013786) of the encoded protein sequence. Five of five in-silico tools predict a damaging effect of the variant on protein function. The variant allele was found at a frequency of 1.2e-05 in 251426 control chromosomes (gnomAD). c.356C>T has been reported in the literature in multiple individuals affected with Glutaric Acidemia Type 1 (examples: Busquets_2000, Christensen_2004, Radha Rama_2016, Moseilhy_2017). These data indicate that the variant is very likely to be associated with disease. The following publications have been ascertained in the context of this evaluation (PMID: 28389991, 26071121, 11015709, 15505393). ClinVar contains an entry for this variant (Variation ID: 288248). Based on the evidence outlined above, the variant was classified as pathogenic.

Labcorp Genetics (formerly Invitae), Labcorp
Classification: Pathogenic for Glutaric aciduria, type 1. Last evaluated: 2024-02-22. Review status: criteria provided, single submitter. Criteria: Invitae Variant Classification Sherloc (09022015). Collection method: clinical testing. Allele origin: germline.
Comment: This sequence change replaces serine, which is neutral and polar, with leucine, which is neutral and non-polar, at codon 119 of the GCDH protein (p.Ser119Leu). This variant is present in population databases (no rsID available, gnomAD 0.02%). This missense change has been observed in individual(s) with glutaric acidemia and glutaric acidemia type 1 (PMID: 11015709, 15505393, 17188916, 28389991). It has also been observed to segregate with disease in related individuals. ClinVar contains an entry for this variant (Variation ID: 288248). Advanced modeling of protein sequence and biophysical properties (such as structural, functional, and spatial information, amino acid conservation, physicochemical variation, residue mobility, and thermodynamic stability) performed at Invitae indicates that this missense variant is expected to disrupt GCDH protein function with a positive predictive value of 80%. For these reasons, this variant has been classified as Pathogenic.

Revvity Omics, Revvity
Classification: Pathogenic for Glutaric aciduria, type 1. Last evaluated: 2023-05-08. Review status: criteria provided, single submitter. Criteria: ACMG Guidelines, 2015. Collection method: clinical testing. Allele origin: germline.

Illumina Laboratory Services, Illumina
Classification: Pathogenic for Glutaric aciduria, type 1. Last evaluated: 2018-11-28. Review status: criteria provided, single submitter. Criteria: ICSL Variant Classification Criteria 09 May 2019. Collection method: clinical testing. Allele origin: germline.
Comment: The GCDH c.356C>T (p.Ser119Leu) variant has been reported in at least five studies and is found in a total of seven probands with glutaric acidemia including two in a homozygous state and five in a compound heterozygous state, which includes three siblings (Busquets et al. 2000; Christensen et al. 2004; Korman et al. 2007; Devi et al. 2016; Mosaeilhy et al. 2017). Control data are unavailable for this variant, which is reported at a frequency of 0.000012 in the Total population of the Genome Aggregation Database. In vitro analysis in proband fibroblasts determined that the p.Ser119Leu variant is associated with significantly reduced GCDH activity ranging from zero to five percent of controls (Busquets et al. 2000; Christensen et al. 2004). Based on the evidence, the p.Ser119Leu variant is classified as pathogenic for glutaric acidemia. This variant was observed by ICSL as part of a predisposition screen in an ostensibly healthy population.

Eurofins Ntd Llc (ga)
Classification: Uncertain significance. Last evaluated: 2016-05-20. Review status: criteria provided, single submitter. Criteria: EGL Classification Definitions 2015. Collection method: clinical testing. Allele origin: germline. Observed: 1 variant allele, 1 heterozygote.

Counsyl
Classification: Likely pathogenic for Glutaric aciduria, type 1. Last evaluated: 2017-12-15. Review status: no assertion criteria provided. Collection method: clinical testing. Allele origin: unknown. Not counted in ClinVar's aggregate classification.

Literature cited by the submitters: PubMed 26071121 (cited by 4 submitters); PubMed 15505393 (cited by 4 submitters); PubMed 17188916 (cited by 4 submitters); PubMed 28389991 (cited by 5 submitters); PubMed 32508882 (cited by Natera, Inc.); PubMed 10960496 (cited by 3 submitters); PubMed 11015709 (cited by 3 submitters); PubMed 28062662 (cited by Counsyl); PubMed 16488172 (cited by Counsyl).